The following is an entry in ClinVar:

NM_173495.3(PTCHD1):c.992G>A (p.Gly331Glu)

Gene: PTCHD1 (patched domain containing 1; plus strand). Cytogenetic location: Xp22.11.
Variant type: single nucleotide variant.
Coding change: c.992G>A on transcript NM_173495.3 (MANE Select); coding-DNA position 992, G replaced by A.
Protein change: p.Gly331Glu; replaces glycine 331 with glutamic acid.
Molecular consequence: missense variant.
Genome position (GRCh38, 1-based): chrX:23,380,231, G>A. VCF-style: chrX-23380231-G-A. GRCh37 (hg19) VCF-style: chrX-23398348-G-A.
Other names: short protein forms G331E.
Identifiers: ClinVar variation 4527690 (VCV004527690.1).

ClinVar aggregate classification (germline): Uncertain significance (1 of 4 stars; one submission).

Submission:

GeneDx
Classification: Uncertain significance. Last evaluated: 2025-05-02. Review status: criteria provided, single submitter. Criteria: GeneDx Variant Classification Process June 2021. Collection method: clinical testing. Allele origin: germline. Affected: yes.
Comment: Not observed at significant frequency in large population cohorts (gnomAD); In silico analysis suggests that this missense variant does not alter protein structure/function; Has not been previously published as pathogenic or benign to our knowledge